The following is an entry in ClinVar:

ClinVar aggregate classification (germline): Likely benign (1 of 4 stars; one submission).

Allele frequency attached by ClinVar (database versions not stated): gnomAD exomes below 0.00001.
gnomAD v4.1: 3 of 1,589,590 alleles (0.00019%); highest among the groups gnomAD compares: Non-Finnish European, 0.00026%; no homozygotes.

Submission:

Laboratory for Molecular Medicine, Mass General Brigham Personalized Medicine
Classification: Likely benign. Last evaluated: 2013-03-18. Review status: criteria provided, single submitter. Criteria: LMM Criteria. Collection method: clinical testing. Allele origin: germline. Observed: 3 variant alleles.
Comment: Ile220Val in exon 6 of MAP2K2: This variant is not expected to have clinical sig nificance because it has been identified in two individuals with clinical featur es of Noonan syndrome, but each individual also carried a pathogenic variant tha t was thought to cause their clinical features.

NM_030662.4(MAP2K2):c.658A>G (p.Ile220Val)

Gene: MAP2K2 (mitogen-activated protein kinase kinase 2; minus strand). Cytogenetic location: 19p13.3.
Variant type: single nucleotide variant.
Coding change: c.658A>G on transcript NM_030662.4 (MANE Select); coding-DNA position 658, A replaced by G.
Protein change: p.Ile220Val; replaces isoleucine 220 with valine.
Molecular consequence: missense variant.
Genome position (GRCh38, 1-based): chr19:4,101,066, T>C on the plus strand (A>G on the coding strand, the complement: MAP2K2 is on the minus strand). VCF-style: chr19-4101066-T-C. GRCh37 (hg19) VCF-style: chr19-4101064-T-C.
Other names: short protein forms I220V.
Identifiers: ClinVar variation 177860 (VCV000177860.4), dbSNP rs727504363, ClinGen allele CA180877.